The following is an entry in ClinVar:

ClinVar aggregate classification (germline): Likely pathogenic (1 of 4 stars; one submission).

Conditions:
Polycystic kidney disease, adult type (PKD1). Also called: Polycystic Kidney Disease 1, Autosomal Dominant; Polycystic kidney disease 1; Polycystic kidney disease 1, severe; Polycystic Kidney, Autosomal Dominant; POLYCYSTIC KIDNEY DISEASE 1 WITH OR WITHOUT POLYCYSTIC LIVER DISEASE; POLYCYSTIC KIDNEY DISEASE, ADULT, TYPE I. Identifiers: MedGen C3149841, MONDO:0008263, OMIM 173900.

Submission:

Women's Health and Genetics/Laboratory Corporation of America, LabCorp
Classification: Likely pathogenic for Polycystic kidney disease, adult type. Last evaluated: 2025-05-20. Review status: criteria provided, single submitter. Criteria: LabCorp Variant Classification Summary - May 2015. Collection method: clinical testing. Allele origin: germline.
Comment: Variant summary: The variant involves the duplication of exons 15-42 in the PKD1 gene. A presumed nomenclature of c.(3295+1_3296-1)_(11712+1_11713-1)dup has been designated for the purposes of this classification. It is assumed to be a tandem duplication in direct orientation (PMIDs: 25640679, 30054569). This Copy Number Variant (CNV) is expected to alter the reading frame and predicted to result in a truncation or absence of the encoded protein due to nonsense mediated decay (NMD). The variant was absent in 21684 control chromosomes (gnomAD, structural variants dataset). The available data on variant occurrences in the general population are insufficient to allow any conclusion about variant significance. To our knowledge, no occurrence of c.(3295+1_3296-1)_(11712+1_11713-1)dup in individuals affected with Polycystic Kidney Disease 1 and no experimental evidence demonstrating its impact on protein function have been reported. No submitters have cited clinical-significance assessments for this variant to ClinVar. Based on the evidence outlined above, the variant was classified as likely pathogenic.

NC_000016.9:g.(2141176_2141423)_(2161873_2162340)dup

Gene: PKD1 (polycystin 1, transient receptor potential channel interacting; minus strand). Cytogenetic location: 16p13.3.
Variant type: Duplication.
Identifiers: ClinVar variation 3902801 (VCV003902801.1).